The following is an entry in ClinVar:

NM_005186.4(CAPN1):c.1415C>T (p.Ala472Val)

Gene: CAPN1 (calpain 1; plus strand). Cytogenetic location: 11q13.1.
Variant type: single nucleotide variant.
Coding change: c.1415C>T on transcript NM_005186.4 (MANE Select); coding-DNA position 1415, C replaced by T.
Protein change: p.Ala472Val; replaces alanine 472 with valine.
Molecular consequence: missense variant. On other transcripts: non-coding transcript variant (1).
Genome position (GRCh38, 1-based): chr11:65,206,524, C>T. VCF-style: chr11-65206524-C-T. GRCh37 (hg19) VCF-style: chr11-64973995-C-T.
Other names: c.1415C>T, p.Ala472Val (NM_001198868.2, NM_001198869.2); short protein forms A472V.
Identifiers: ClinVar variation 4685063 (VCV004685063.1).

ClinVar aggregate classification (germline): Uncertain significance (1 of 4 stars; one submission).

gnomAD v4.1: 27 of 1,613,322 alleles (0.0017%); highest among the groups gnomAD compares: Admixed American, 0.005%; no homozygotes.

Submission:

GeneDx
Classification: Uncertain significance. Last evaluated: 2025-07-12. Review status: criteria provided, single submitter. Criteria: GeneDx Variant Classification Process June 2021. Collection method: clinical testing. Allele origin: germline. Affected: yes.
Comment: Not observed at significant frequency in large population cohorts (gnomAD); In silico analysis supports that this missense variant has a deleterious effect on protein structure/function; Has not been previously published as pathogenic or benign to our knowledge